The following is an entry in ClinVar:

NM_001042492.3(NF1):c.796G>A (p.Val266Ile)

Gene: NF1 (neurofibromin 1; plus strand). Cytogenetic location: 17q11.2.
Variant type: single nucleotide variant.
Coding change: c.796G>A on transcript NM_001042492.3 (MANE Select); coding-DNA position 796, G replaced by A.
Protein change: p.Val266Ile; replaces valine 266 with isoleucine.
Molecular consequence: missense variant.
Genome position (GRCh38, 1-based): chr17:31,182,573, G>A. VCF-style: chr17-31182573-G-A. GRCh37 (hg19) VCF-style: chr17-29509591-G-A.
Other names: c.796G>A, p.Val266Ile (NM_001128147.3, NM_000267.4); short protein forms V266I.
Identifiers: ClinVar variation 836005 (VCV000836005.6), dbSNP rs2066157267, ClinGen allele CA398990878.

ClinVar aggregate classification (germline): Uncertain significance (1 of 4 stars; one submission).

Conditions:
Neurofibromatosis, type 1 (NF1). Also called: Peripheral type neurofibromatosis; Neurofibromatosis, type I; VON RECKLINGHAUSEN DISEASE; NEUROFIBROMATOSIS, TYPE I, SOMATIC. Identifiers: Orphanet 636, MedGen C0027831, MONDO:0018975, OMIM 162200. Disease mechanism: loss of function.

Submission:

Labcorp Genetics (formerly Invitae), Labcorp
Classification: Uncertain significance for Neurofibromatosis, type 1. Last evaluated: 2019-11-19. Review status: criteria provided, single submitter. Criteria: Invitae Variant Classification Sherloc (09022015). Collection method: clinical testing. Allele origin: germline.
Comment: This sequence change replaces valine with isoleucine at codon 266 of the NF1 protein (p.Val266Ile). The valine residue is highly conserved and there is a small physicochemical difference between valine and isoleucine. This variant is not present in population databases (ExAC no frequency). This variant has not been reported in the literature in individuals with NF1-related conditions. Algorithms developed to predict the effect of missense changes on protein structure and function are either unavailable or do not agree on the potential impact of this missense change (SIFT: "Deleterious"; PolyPhen-2: "Possibly Damaging"; Align-GVGD: "Class C0"). In summary, the available evidence is currently insufficient to determine the role of this variant in disease. Therefore, it has been classified as a Variant of Uncertain Significance.